The following is an entry in ClinVar:

ClinVar aggregate classification (germline): Likely benign (1 of 4 stars; one submission).

gnomAD v4.1: 1 of 1,161,401 alleles (0.000086%); highest among the groups gnomAD compares: Non-Finnish European, 0.00012%; no homozygotes.

Submission:

CeGaT Center for Human Genetics Tuebingen
Classification: Likely benign. Last evaluated: 2023-04-01. Review status: criteria provided, single submitter. Criteria: CeGaT Center For Human Genetics Tuebingen Variant Classification Criteria Version 2. Collection method: clinical testing. Allele origin: germline. Affected: yes. Observed: 1 variant allele.
Comment: NHSL2: PM2:Supporting, BP4, BP7

NM_001013627.3(NHSL2):c.3246C>A (p.Thr1082=)

Gene: NHSL2 (NHS like 2; plus strand). Cytogenetic location: Xq13.1.
Variant type: single nucleotide variant.
Coding change: c.3246C>A on transcript NM_001013627.3 (MANE Select); coding-DNA position 3246, C replaced by A.
Protein change: p.Thr1082=; no amino-acid change (threonine 1082 retained).
Molecular consequence: synonymous variant.
Genome position (GRCh38, 1-based): chrX:72,142,254, C>A. VCF-style: chrX-72142254-C-A. GRCh37 (hg19) VCF-style: chrX-71362104-C-A.
Identifiers: ClinVar variation 2660904 (VCV002660904.24), dbSNP rs780217556, ClinGen allele CA516735563.
Genomic context (GRCh38, chrX:72,142,254, plus strand): 5'-TGTGGTCAAAGTCATTCCTTTTGGTTTTTTATGTCTAGGGAGTTCTGTGGAACCAGGCAC[C>A]GAAGAAAAAAGTTTAATCAGTGATAAAACAGCTGAATGGATTGCAGAGGATGATGATGAC-3'
Protein context (NP_001013649.2, residues 1072-1092): SPLGSSVEPG[Thr1082=]EEKSLISDKT